The following is an entry in ClinVar:

GRCh37/hg19 Xp21.1(chrX:31831085-32063055)x0

Gene: DMD (dystrophin; minus strand). Cytogenetic location: Xp21.1.
Variant type: copy number loss.
Change: copy number 0 of chrX:31,831,085-32,063,055 (232.0 kb, GRCh37 coordinates, 1-based), cytogenetic band Xp21.1.
Identifiers: ClinVar variation 1340717 (VCV001340717.1).

ClinVar aggregate classification (germline): Pathogenic (0 of 4 stars; one submission).

Submission:

Quest Diagnostics Nichols Institute San Juan Capistrano
Classification: Pathogenic. Last evaluated: 2021-01-20. Review status: no assertion criteria provided. Collection method: clinical testing. Allele origin: germline.
Comment: This imbalance is expected to cause phenotypic and/or developmental abnormalities. It includes multiple exons of the DMD gene (300377). Whole gene and intragenic DMD deletions, as well as intragenic duplications and sequence-level mutations, have been identified in a spectrum of muscle diseases known as the dystrophinopathies; Duchenne Muscular Dystrophy (DMD; #310200), Becker Muscular Dystrophy (BMD; #300376), and dilated cardiomyopathy 3B (CMD3B; #302045), all of which involve progressive deterioration of muscle tissue and resultant weakness.